The following is an entry in ClinVar:

NM_001447.3(FAT2):c.12111C>T (p.Pro4037=)

Genes: FAT2 (FAT atypical cadherin 2; minus strand), SLC36A1 (solute carrier family 36 member 1; plus strand). Cytogenetic location: 5q33.1.
Variant type: single nucleotide variant.
Coding change: c.12111C>T on transcript NM_001447.3 (MANE Select); coding-DNA position 12111, C replaced by T.
Protein change: p.Pro4037=; no amino-acid change (proline 4037 retained).
Molecular consequence: synonymous variant.
Genome position (GRCh38, 1-based): chr5:151,507,560, G>A on the plus strand (C>T on the coding strand, the complement: FAT2 is on the minus strand). VCF-style: chr5-151507560-G-A. GRCh37 (hg19) VCF-style: chr5-150887121-G-A.
Identifiers: ClinVar variation 2428305 (VCV002428305.32), dbSNP rs748991728, ClinGen allele CA3519845.

ClinVar aggregate classification (germline): Likely benign. Review status: criteria provided, multiple submitters, no conflicts (2 of 4 stars). 3 submissions from 3 submitters: Likely benign (3). Last evaluated 2026-01-26.

Allele frequency attached by ClinVar (database versions not stated): gnomAD 0.00004; TOPMed 0.00006; ExAC 0.00007; gnomAD exomes 0.00007.
gnomAD v4.1: 107 of 1,613,838 alleles (0.0066%); highest among the groups gnomAD compares: Non-Finnish European, 0.0083%; no homozygotes.

Submissions (3):

Labcorp Genetics (formerly Invitae), Labcorp
Classification: Likely benign. Last evaluated: 2026-01-26. Review status: criteria provided, single submitter. Criteria: Invitae Variant Classification Sherloc (09022015). Collection method: clinical testing. Allele origin: germline.

CeGaT Center for Human Genetics Tuebingen
Classification: Likely benign. Last evaluated: 2023-04-01. Review status: criteria provided, single submitter. Criteria: CeGaT Center For Human Genetics Tuebingen Variant Classification Criteria Version 2. Collection method: clinical testing. Allele origin: germline. Affected: yes. Observed: 1 variant allele.
Comment: FAT2: BP4, BP7

Blueprint Genetics
Classification: Likely benign. Last evaluated: 2023-02-23. Review status: criteria provided, single submitter. Criteria: ACMG Guidelines, 2015. Collection method: clinical testing. Allele origin: germline.